The following is an entry in ClinVar:

ClinVar aggregate classification (germline): Benign. Review status: criteria provided, multiple submitters, no conflicts (2 of 4 stars). 8 submissions from 7 submitters: Benign (8). Last evaluated 2026-02-04.

Conditions:
Autosomal recessive congenital ichthyosis 4A (LI2). Also called: ICHTHYOSIS CONGENITA IIB. Identifiers: Orphanet 313, MedGen C1832550, MONDO:0011026, OMIM 601277.
Autosomal recessive congenital ichthyosis 4B (ARCI4B). Also called: Harlequin Fetus; HARLEQUIN ICHTHYOSIS; ICHTHYOSIS CONGENITA, HARLEQUIN FETUS TYPE; Ichthyosis, congenital, autosomal recessive 4B (harlequin). Identifiers: Orphanet 457, MedGen C0598226, MONDO:0009443, OMIM 242500.
Congenital ichthyosis of skin. Identifiers: MedGen C0020758.

Allele frequency attached by ClinVar (database versions not stated): ExAC 0.06528; 1000 Genomes Project 0.07188; ESP Exome Variant Server 0.07220; gnomAD exomes 0.07231; gnomAD 0.07384 and 0.07520; 1000 Genomes Project 30x 0.07433; TOPMed 0.08612.
gnomAD v4.1: 97,889 of 1,612,962 alleles (6.1%); highest among the groups gnomAD compares: Admixed American, 18%; 3,887 homozygotes.

Submissions (8):

Labcorp Genetics (formerly Invitae), Labcorp
Classification: Benign. Last evaluated: 2026-02-04. Review status: criteria provided, single submitter. Criteria: Invitae Variant Classification Sherloc (09022015). Collection method: clinical testing. Allele origin: germline.

Blueprint Genetics
Classification: Benign. Last evaluated: 2024-11-26. Review status: criteria provided, single submitter. Criteria: ACMG Guidelines, 2015. Collection method: clinical testing. Allele origin: germline.

Genome-Nilou Lab
Classification: Benign for Autosomal recessive congenital ichthyosis 4A. Last evaluated: 2021-07-14. Review status: criteria provided, single submitter. Criteria: ACMG Guidelines, 2015. Collection method: clinical testing. Allele origin: germline. Affected: no.

Genome-Nilou Lab
Classification: Benign for Autosomal recessive congenital ichthyosis 4B. Last evaluated: 2021-07-14. Review status: criteria provided, single submitter. Criteria: ACMG Guidelines, 2015. Collection method: clinical testing. Allele origin: germline. Affected: no.

Illumina Laboratory Services, Illumina
Classification: Benign for Congenital ichthyosis of skin. Last evaluated: 2018-01-13. Review status: criteria provided, single submitter. Criteria: ICSL Variant Classification Criteria 13 December 2019. Collection method: clinical testing. Allele origin: germline.
Comment: This variant was observed in the ICSL laboratory as part of a predisposition screen in an ostensibly healthy population. It had not been previously curated by ICSL or reported in the Human Gene Mutation Database (HGMD: prior to June 1st, 2018), and was therefore a candidate for classification through an automated scoring system. Utilizing variant allele frequency, disease prevalence and penetrance estimates, and inheritance mode, an automated score was calculated to assess if this variant is too frequent to cause the disease. Based on the score and internal cut-off values, a variant classified as benign is not then subjected to further curation. The score for this variant resulted in a classification of benign for this disease.

GeneDx
Classification: Benign. Last evaluated: 2015-03-03. Review status: criteria provided, single submitter. Criteria: GeneDx Variant Classification Process June 2021. Collection method: clinical testing. Allele origin: germline. Affected: yes.

Breakthrough Genomics
Classification: Benign. Review status: criteria provided, single submitter. Criteria: ACMG Guidelines, 2015. Collection method: not provided. Allele origin: germline. Inheritance: Autosomal recessive inheritance. Affected: yes.

PreventionGenetics, part of Exact Sciences
Classification: Benign. Review status: criteria provided, single submitter. Criteria: ACMG Guidelines, 2015. Collection method: clinical testing. Allele origin: germline.

NM_173076.3(ABCA12):c.3726G>A (p.Pro1242=)

Gene: ABCA12 (ATP binding cassette subfamily A member 12; minus strand). Cytogenetic location: 2q35.
Variant type: single nucleotide variant.
Coding change: c.3726G>A on transcript NM_173076.3 (MANE Select); coding-DNA position 3726, G replaced by A.
Protein change: p.Pro1242=; no amino-acid change (proline 1242 retained).
Molecular consequence: synonymous variant. On other transcripts: non-coding transcript variant (1).
Genome position (GRCh38, 1-based): chr2:214,989,432, C>T on the plus strand (G>A on the coding strand, the complement: ABCA12 is on the minus strand). VCF-style: chr2-214989432-C-T. GRCh37 (hg19) VCF-style: chr2-215854156-C-T.
Other names: c.2772G>A, p.Pro924= (NM_015657.4).
Identifiers: ClinVar variation 262826 (VCV000262826.20), dbSNP rs71428357, ClinGen allele CA2091646.